The following is an entry in ClinVar:

NM_002202.3(ISL1):c.1014A>C (p.Thr338=)

Gene: ISL1 (ISL LIM homeobox 1; plus strand). Cytogenetic location: 5q11.1.
Variant type: single nucleotide variant.
Coding change: c.1014A>C on transcript NM_002202.3 (MANE Select); coding-DNA position 1014, A replaced by C.
Protein change: p.Thr338=; no amino-acid change (threonine 338 retained).
Molecular consequence: synonymous variant.
Genome position (GRCh38, 1-based): chr5:51,393,574, A>C. VCF-style: chr5-51393574-A-C. GRCh37 (hg19) VCF-style: chr5-50689408-A-C.
Identifiers: ClinVar variation 5002121 (VCV005002121.1).

ClinVar aggregate classification (germline): Likely benign (1 of 4 stars; one submission).

Conditions:
ISL1-related disorder. Also called: ISL1-related condition.

gnomAD v4.1: 1 of 1,612,274 alleles (0.000062%); highest among the groups gnomAD compares: East Asian, 0.0022%; no homozygotes.

Submission:

PreventionGenetics, part of Exact Sciences
Classification: Likely benign for ISL1-related condition. Last evaluated: 2026-09-01. Review status: criteria provided, single submitter. Criteria: ACMG Guidelines, 2015. Collection method: clinical testing. Allele origin: germline.
Comment: This variant is classified as likely benign based on ACMG/AMP sequence variant interpretation guidelines (Richards et al. 2015 PMID: 25741868, with internal and published modifications).